The following is an entry in ClinVar:

ClinVar aggregate classification (germline): Uncertain significance. Review status: criteria provided, multiple submitters, no conflicts (2 of 4 stars). 3 submissions from 3 submitters: Uncertain significance (3). Last evaluated 2024-05-20.

Conditions:
Leukoencephalopathy-thalamus and brainstem anomalies-high lactate syndrome. Also called: LEUKOENCEPHALOPATHY WITH THALAMUS AND BRAINSTEM INVOLVEMENT AND HIGH LACTATE; Combined oxidative phosphorylation deficiency 12. Identifiers: Orphanet 314051, MedGen C4706421, MONDO:0013971, OMIM 614924.
Inborn genetic diseases. Identifiers: MedGen C0950123, MeSH D030342.

Allele frequency attached by ClinVar (database versions not stated): gnomAD 0.00002 and 0.00004; TOPMed 0.00002; gnomAD exomes 0.00005 and 0.00010; ESP Exome Variant Server 0.00008; ExAC 0.00013; 1000 Genomes Project 30x 0.00016; 1000 Genomes Project 0.00020.
gnomAD v4.1: 88 of 1,600,460 alleles (0.0055%); highest among the groups gnomAD compares: South Asian, 0.058%; 1 homozygote.

Submissions (3):

Blueprint Genetics
Classification: Uncertain significance. Last evaluated: 2024-05-20. Review status: criteria provided, single submitter. Criteria: ACMG Guidelines, 2015. Collection method: clinical testing. Allele origin: germline.

Ambry Genetics
Classification: Uncertain significance for Inborn genetic diseases. Last evaluated: 2022-09-07. Review status: criteria provided, single submitter. Criteria: Ambry Variant Classification Scheme 2023. Collection method: clinical testing. Allele origin: germline.

Baylor Genetics
Classification: Uncertain significance for Leukoencephalopathy-thalamus and brainstem anomalies-high lactate syndrome. Last evaluated: 2019-03-08. Review status: criteria provided, single submitter. Criteria: ACMG Guidelines, 2015. Collection method: clinical testing. Allele origin: maternal. Affected: yes.
Comment: This variant was determined to be of uncertain significance according to ACMG Guidelines, 2015 [PMID:25741868].

NM_001083614.2(EARS2):c.913G>A (p.Asp305Asn)

Gene: EARS2 (glutamyl-tRNA synthetase 2, mitochondrial; minus strand). Cytogenetic location: 16p12.2.
Variant type: single nucleotide variant.
Coding change: c.913G>A on transcript NM_001083614.2 (MANE Select); coding-DNA position 913, G replaced by A.
Protein change: p.Asp305Asn; replaces aspartic acid 305 with asparagine.
Molecular consequence: missense variant. On other transcripts: non-coding transcript variant (1).
Genome position (GRCh38, 1-based): chr16:23,534,933, C>T on the plus strand (G>A on the coding strand, the complement: EARS2 is on the minus strand). VCF-style: chr16-23534933-C-T. GRCh37 (hg19) VCF-style: chr16-23546254-C-T.
Other names: c.913G>A, p.Asp305Asn (NM_001308211.1); short protein forms D305N.
Identifiers: ClinVar variation 1030116 (VCV001030116.5), dbSNP rs368574794, ClinGen allele CA7962477.